The following is an entry in ClinVar:

NM_152464.3(VMA12):c.74G>T (p.Arg25Leu)

Gene: VMA12 (vacuolar ATPase assembly factor VMA12; plus strand). Cytogenetic location: 17q11.2.
Variant type: single nucleotide variant.
Coding change: c.74G>T on transcript NM_152464.3 (MANE Select); coding-DNA position 74, G replaced by T.
Protein change: p.Arg25Leu; replaces arginine 25 with leucine.
Molecular consequence: missense variant.
Genome position (GRCh38, 1-based): chr17:28,357,744, G>T. VCF-style: chr17-28357744-G-T. GRCh37 (hg19) VCF-style: chr17-26684767-G-T.
Other names: short protein forms R25L.
Identifiers: ClinVar variation 1517332 (VCV001517332.6), dbSNP rs373775018, ClinGen allele CA8456932.
Genomic context (GRCh38, chr17:28,357,744, plus strand): 5'-TGCTTGCGGGCGAGCGATTGGTGCGTGCTTTGGGCCCCGGCGGGGAGCTGGAGCCAGAGC[G>T]GCTACCCCGAAAGCTGCGGGCCGAGCTTGAGGCCGCGCTGGGGAAGAAGCACAAGGGCGG-3'
Protein context (NP_689677.1, residues 15-35): LGPGGELEPE[Arg25Leu]LPRKLRAELE

ClinVar aggregate classification (germline): Uncertain significance (1 of 4 stars; one submission).

Allele frequency attached by ClinVar (database versions not stated): ESP Exome Variant Server 0.00008.
gnomAD v4.1: 23 of 1,613,352 alleles (0.0014%); highest among the groups gnomAD compares: Middle Eastern, 0.033%; no homozygotes.

Submission:

Labcorp Genetics (formerly Invitae), Labcorp
Classification: Uncertain significance. Last evaluated: 2021-08-27. Review status: criteria provided, single submitter. Criteria: Invitae Variant Classification Sherloc (09022015). Collection method: clinical testing. Allele origin: germline.
Comment: In summary, the available evidence is currently insufficient to determine the role of this variant in disease. Therefore, it has been classified as a Variant of Uncertain Significance. Algorithms developed to predict the effect of missense changes on protein structure and function (SIFT, PolyPhen-2, Align-GVGD) all suggest that this variant is likely to be tolerated. This variant has not been reported in the literature in individuals affected with TMEM199-related conditions. This variant is present in population databases (rs373775018, ExAC 0.006%). This sequence change replaces arginine with leucine at codon 25 of the TMEM199 protein (p.Arg25Leu). The arginine residue is weakly conserved and there is a moderate physicochemical difference between arginine and leucine.